The following is an entry in ClinVar:

NM_001017420.3(ESCO2):c.1263_1263+1delinsTT

Gene: ESCO2 (establishment of sister chromatid cohesion N-acetyltransferase 2; plus strand). Cytogenetic location: 8p21.1.
Variant type: Indel.
Coding change: c.1263_1263+1delinsTT on transcript NM_001017420.3 (MANE Select); coding-DNA position 1263 through the canonical splice donor site of the intron after coding-DNA position 1263, GG replaced by TT.
Molecular consequence: splice donor variant.
Genome position (GRCh38, 1-based): chr8:27,788,978-27,788,979, GG replaced by TT. VCF-style: chr8-27788978-GG-TT. GRCh37 (hg19) VCF-style: chr8-27646495-GG-TT.
Identifiers: ClinVar variation 4814526 (VCV004814526.1).
Genomic context (GRCh38, chr8:27,788,978, plus strand): 5'-TGAAGATGAAATGCAGCATGTACAGCATCACCACAGGTTTCTGGAAGGAATCAAATATGT[GG>TT]TGAGCCAAAACATAGTCTTTCAGTTTGTTCTAGAAGTAAAACTAAAAGAGACATTTCTTT-3'

ClinVar aggregate classification (germline): Likely pathogenic (1 of 4 stars; one submission).

Conditions:
Roberts-SC phocomelia syndrome (RBS). Also called: Pseudothalidomide syndrome; Appelt-Gerken-Lenz syndrome; Hypomelia hypotrichosis facial hemangioma syndrome; LONG BONE DEFICIENCIES ASSOCIATED WITH CLEFT LIP-PALATE; ESCO2 Spectrum Disorder. Identifiers: Orphanet 3103, MedGen C0392475, MONDO:0100253, OMIM 268300.

Submission:

Natera, Inc.
Classification: Likely pathogenic for Roberts syndrome. Last evaluated: 2024-05-29. Review status: criteria provided, single submitter. Criteria: Natera Variant Classification Schema (03/2026). Collection method: clinical testing. Allele origin: germline.
Comment: The c.1263_1263+1delinsTT variant in ESCO2 is a canonical splice donor site variant predicted to affect pre-mRNA splicing, which may result in an abnormal transcript and altered protein product. This variant is expected to result in nonsense mediated decay, truncation, or a dysfunctional protein product. This variant is rare in the general population with a frequency below the threshold expected for the associated phenotype(s). Given the available evidence, this variant is classified as Likely Pathogenic.